The following is an entry in ClinVar:

NM_007208.4(MRPL3):c.148G>T (p.Asp50Tyr)

Gene: MRPL3 (mitochondrial ribosomal protein L3; minus strand). Cytogenetic location: 3q22.1.
Variant type: single nucleotide variant.
Coding change: c.148G>T on transcript NM_007208.4 (MANE Select); coding-DNA position 148, G replaced by T.
Protein change: p.Asp50Tyr; replaces aspartic acid 50 with tyrosine.
Molecular consequence: missense variant.
Genome position (GRCh38, 1-based): chr3:131,501,660, C>A on the plus strand (G>T on the coding strand, the complement: MRPL3 is on the minus strand). VCF-style: chr3-131501660-C-A. GRCh37 (hg19) VCF-style: chr3-131220504-C-A.
Other names: short protein forms D50Y.
Identifiers: ClinVar variation 4083381 (VCV004083381.2).

ClinVar aggregate classification (germline): Uncertain significance (1 of 4 stars; one submission).

gnomAD v4.1: 295 of 1,613,822 alleles (0.018%); highest among the groups gnomAD compares: South Asian, 0.3%; 4 homozygotes.

Submission:

GeneDx
Classification: Uncertain significance. Last evaluated: 2025-11-19. Review status: criteria provided, single submitter. Criteria: GeneDx Variant Classification Process June 2021. Collection method: clinical testing. Allele origin: germline.
Comment: In silico analysis supports that this missense variant has a deleterious effect on protein structure/function; Has not been previously published as pathogenic or benign to our knowledge